The following is an entry in ClinVar:

NM_004456.5(EZH2):c.1852-21T>C

Gene: EZH2 (enhancer of zeste 2 polycomb repressive complex 2 subunit; minus strand). Cytogenetic location: 7q36.1.
Variant type: single nucleotide variant.
Coding change: c.1852-21T>C on transcript NM_004456.5 (MANE Select); 21 bases into the intron before coding-DNA position 1852, T replaced by C.
Molecular consequence: intron variant.
Genome position (GRCh38, 1-based): chr7:148,811,741, A>G on the plus strand (T>C on the coding strand, the complement: EZH2 is on the minus strand). VCF-style: chr7-148811741-A-G. GRCh37 (hg19) VCF-style: chr7-148508833-A-G.
Other names: c.1810-21T>C (NM_001203248.2); c.1720-21T>C (NM_152998.3); c.1837-21T>C (NM_001203247.2); c.1684-21T>C (NM_001203249.2).
Identifiers: ClinVar variation 670472 (VCV000670472.4), dbSNP rs2072407, ClinGen allele CA4547774.

ClinVar aggregate classification (germline): Benign. Review status: criteria provided, multiple submitters, no conflicts (2 of 4 stars). 3 submissions from 3 submitters: Benign (3). Last evaluated 2021-08-10.

Conditions:
Weaver syndrome (WVS). Also called: Weaver Smith syndrome; Overgrowth syndrome with accelerated skeletal maturation, unusual facies, and camptodactyly. Identifiers: Orphanet 3447, MedGen C0265210, MONDO:0010193, OMIM 277590.

Allele frequency attached by ClinVar (database versions not stated): ExAC 0.66827; gnomAD exomes 0.66885; gnomAD 0.67548 and 0.67669; ESP Exome Variant Server 0.68230; 1000 Genomes Project 30x 0.69019; 1000 Genomes Project 0.69069; TOPMed 0.69197.
gnomAD v4.1: 1,063,694 of 1,595,956 alleles (67%); highest among the groups gnomAD compares: Admixed American, 73%; 355,656 homozygotes.

Submissions (3):

Genome-Nilou Lab
Classification: Benign for Weaver syndrome. Last evaluated: 2021-08-10. Review status: criteria provided, single submitter. Criteria: ACMG Guidelines, 2015. Collection method: clinical testing. Allele origin: germline. Affected: no.

GeneDx
Classification: Benign. Last evaluated: 2018-06-19. Review status: criteria provided, single submitter. Criteria: GeneDx Variant Classification (06012015). Collection method: clinical testing. Allele origin: germline. Affected: yes.
Comment: This variant is considered likely benign or benign based on one or more of the following criteria: it is a conservative change, it occurs at a poorly conserved position in the protein, it is predicted to be benign by multiple in silico algorithms, and/or has population frequency not consistent with disease.

Breakthrough Genomics
Classification: Benign. Review status: criteria provided, single submitter. Criteria: ACMG Guidelines, 2015. Collection method: not provided. Allele origin: germline. Inheritance: Autosomal dominant inheritance. Affected: yes.